The following is an entry in ClinVar:

ClinVar aggregate classification (germline): Uncertain significance (1 of 4 stars; one submission).

Conditions:
Inborn genetic diseases. Identifiers: MedGen C0950123, MeSH D030342.

Submission:

Ambry Genetics
Classification: Uncertain significance for Inborn genetic diseases. Last evaluated: 2025-04-07. Review status: criteria provided, single submitter. Criteria: Ambry Variant Classification Scheme 2023. Collection method: clinical testing. Allele origin: germline.
Comment: The p.S1519P variant (also known as c.4555T>C), located in coding exon 18 of the FANCM gene, results from a T to C substitution at nucleotide position 4555. The serine at codon 1519 is replaced by proline, an amino acid with similar properties. This amino acid position is conserved. In addition, the in silico prediction for this alteration is inconclusive. Based on the available evidence, the clinical significance of this variant remains unclear.

NM_020937.4(FANCM):c.4555T>C (p.Ser1519Pro)

Gene: FANCM (FA complementation group M; plus strand). Cytogenetic location: 14q21.2.
Variant type: single nucleotide variant.
Coding change: c.4555T>C on transcript NM_020937.4 (MANE Select); coding-DNA position 4555, T replaced by C.
Protein change: p.Ser1519Pro; replaces serine 1519 with proline.
Molecular consequence: missense variant.
Genome position (GRCh38, 1-based): chr14:45,185,256, T>C. VCF-style: chr14-45185256-T-C. GRCh37 (hg19) VCF-style: chr14-45654459-T-C.
Other names: c.4477T>C, p.Ser1493Pro (NM_001308133.2); short protein forms S1493P, S1519P.
Identifiers: ClinVar variation 4022666 (VCV004022666.1).